The following is an entry in ClinVar:

ClinVar aggregate classification (germline): Pathogenic (1 of 4 stars; one submission).

Submission:

Mayo Clinic Laboratories, Mayo Clinic
Classification: Pathogenic. Last evaluated: 2025-07-14. Review status: criteria provided, single submitter. Criteria: ACMG Guidelines, 2015. Collection method: clinical testing. Allele origin: germline. Observed: 1 variant allele.
Comment: PP4_moderate, PM2_supporting, PVS1

Literature cited by the submitters: PubMed 34872578.

NM_001114753.3(ENG):c.1208_1209dup (p.Val404fs)

Genes: ENG (endoglin; minus strand), LOC102723566 (uncharacterized LOC102723566; plus strand). Cytogenetic location: 9q34.11.
Variant type: Duplication.
Coding change: c.1208_1209dup on transcript NM_001114753.3 (MANE Select); coding-DNA positions 1208 to 1209, 2 bases duplicated (TT; older notation c.1208_1209dupTT).
Protein change: p.Val404fs; shifts the reading frame from valine 404.
Molecular consequence: frameshift variant.
Genome position (GRCh38, 1-based): chr9:127,819,963-127,819,964, AA duplicated on the plus strand (TT on the coding strand, the reverse complement: ENG is on the minus strand); duplicating any 2 consecutive bases within chr9:127,819,963-127,819,965 gives the same sequence; the c. name uses the placement nearest the transcript's 3' end. VCF-style (leftmost placement, unchanged base first): chr9-127819962-C-CAA. GRCh37 (hg19) VCF-style: chr9-130582241-C-CAA.
Other names: p.Val404Leufs*18; c.1208_1209dup, p.Val404fs (NM_000118.4); c.662_663dup, p.Val222fs (NM_001278138.2); c.1208_1209dup (NM_001114753.2); short protein forms V222fs, V404fs.
Identifiers: ClinVar variation 4541476 (VCV004541476.1).
Genomic context (GRCh38, chr9:127,819,962, plus strand): 5'-CATTGCTGATCATACTTGCTGACACCTGCATGCCACAGCTGGAGTAAGCACTGCGCAAGA[C>CAA]AAACTTGTCACCCCTGTCCTCTGCCTCACAGCTGGGGTCCCAGAAGGTCAGGCCCGTGAT-3'